The following is an entry in ClinVar:

ClinVar aggregate classification (germline): Benign/Likely benign. Review status: criteria provided, multiple submitters, no conflicts (2 of 4 stars). 4 submissions from 4 submitters: Benign (1); Likely benign (3). Last evaluated 2026-06-28.

Conditions:
SRC-related disorder. Also called: SRC-related condition.

Allele frequency attached by ClinVar (database versions not stated): gnomAD exomes 0.00007 and 0.00017; ExAC 0.00022; ESP Exome Variant Server 0.00069; TOPMed 0.00076; gnomAD 0.00084 and 0.00088; 1000 Genomes Project 0.00120; 1000 Genomes Project 30x 0.00156.
gnomAD v4.1: 229 of 1,613,452 alleles (0.014%); highest among the groups gnomAD compares: African/African-American, 0.29%; no homozygotes.

Submissions (4):

PreventionGenetics, part of Exact Sciences
Classification: Likely benign for SRC-related condition. Last evaluated: 2026-06-28. Review status: criteria provided, single submitter. Criteria: ACMG Guidelines, 2015. Collection method: clinical testing. Allele origin: germline.
Comment: This variant is classified as likely benign based on ACMG/AMP sequence variant interpretation guidelines (Richards et al. 2015 PMID: 25741868, with internal and published modifications).

Mayo Clinic Laboratories, Mayo Clinic
Classification: Likely benign. Last evaluated: 2025-08-13. Review status: criteria provided, single submitter. Criteria: ACMG Guidelines, 2015. Collection method: clinical testing. Allele origin: germline. Observed: 1 variant allele.
Comment: BS1_supporting, BP4, BP7

Blueprint Genetics
Classification: Likely benign. Last evaluated: 2024-01-23. Review status: criteria provided, single submitter. Criteria: ACMG Guidelines, 2015. Collection method: clinical testing. Allele origin: germline.

Labcorp Genetics (formerly Invitae), Labcorp
Classification: Benign. Last evaluated: 2018-10-24. Review status: criteria provided, single submitter. Criteria: Invitae Variant Classification Sherloc (09022015). Collection method: clinical testing. Allele origin: germline.

NM_198291.3(SRC):c.1128C>A (p.Gly376=)

Gene: SRC (SRC proto-oncogene, non-receptor tyrosine kinase; plus strand). Cytogenetic location: 20q11.23.
Variant type: single nucleotide variant.
Coding change: c.1128C>A on transcript NM_198291.3 (MANE Select); coding-DNA position 1128, C replaced by A.
Protein change: p.Gly376=; no amino-acid change (glycine 376 retained).
Molecular consequence: synonymous variant.
Genome position (GRCh38, 1-based): chr20:37,402,446, C>A. VCF-style: chr20-37402446-C-A. GRCh37 (hg19) VCF-style: chr20-36030849-C-A.
Other names: p.Gly376=; c.1128C>A, p.Gly376= (NM_005417.5).
Identifiers: ClinVar variation 714817 (VCV000714817.6), dbSNP rs149269541, ClinGen allele CA9847986.